The following is an entry in ClinVar:

NM_022489.4(INF2):c.1634G>T (p.Gly545Val)

Gene: INF2 (inverted formin 2; plus strand). Cytogenetic location: 14q32.33.
Variant type: single nucleotide variant.
Coding change: c.1634G>T on transcript NM_022489.4 (MANE Select); coding-DNA position 1634, G replaced by T.
Protein change: p.Gly545Val; replaces glycine 545 with valine.
Molecular consequence: missense variant.
Genome position (GRCh38, 1-based): chr14:104,707,901, G>T. VCF-style: chr14-104707901-G-T. GRCh37 (hg19) VCF-style: chr14-105174238-G-T.
Other names: c.1634G>T, p.Gly545Val (NM_001031714.4, NM_001426862.1, NM_001426863.1 and 2 more transcripts); short protein forms G545V.
Identifiers: ClinVar variation 2927346 (VCV002927346.4), dbSNP rs1269437587, ClinGen allele CA391217831.

ClinVar aggregate classification (germline): Uncertain significance. Review status: criteria provided, multiple submitters, no conflicts (2 of 4 stars). 2 submissions from 2 submitters: Uncertain significance (2). Last evaluated 2023-05-23.

Conditions:
Focal segmental glomerulosclerosis 5 (FSGS5). Identifiers: Orphanet 656, MedGen C2750475, MONDO:0013191, OMIM 613237.
Charcot-Marie-Tooth disease dominant intermediate E. Also called: CHARCOT-MARIE-TOOTH NEUROPATHY WITH FOCAL SEGMENTAL GLOMERULONEPHRITIS. Identifiers: Orphanet 93114, MedGen C4302667, MONDO:0013758, OMIM 614455.

Allele frequency attached by ClinVar (database versions not stated): gnomAD exomes below 0.00001; TOPMed below 0.00001.
gnomAD v4.1: 3 of 1,604,444 alleles (0.00019%); highest among the groups gnomAD compares: African/African-American, 0.0013%; no homozygotes.

Submissions (2):

Labcorp Genetics (formerly Invitae), Labcorp
Classification: Uncertain significance for Charcot-Marie-Tooth disease dominant intermediate E; Focal segmental glomerulosclerosis 5. Last evaluated: 2023-05-23. Review status: criteria provided, single submitter. Criteria: Invitae Variant Classification Sherloc (09022015). Collection method: clinical testing. Allele origin: germline.
Comment: This sequence change replaces glycine, which is neutral and non-polar, with valine, which is neutral and non-polar, at codon 545 of the INF2 protein (p.Gly545Val). This variant is not present in population databases (gnomAD no frequency). In summary, the available evidence is currently insufficient to determine the role of this variant in disease. Therefore, it has been classified as a Variant of Uncertain Significance. Advanced modeling of protein sequence and biophysical properties (such as structural, functional, and spatial information, amino acid conservation, physicochemical variation, residue mobility, and thermodynamic stability) performed at Invitae indicates that this missense variant is not expected to disrupt INF2 protein function. This variant has not been reported in the literature in individuals affected with INF2-related conditions.

Blueprint Genetics
Classification: Uncertain significance. Last evaluated: 2023-02-03. Review status: criteria provided, single submitter. Criteria: ACMG Guidelines, 2015. Collection method: clinical testing. Allele origin: germline.